The following is an entry in ClinVar:

NM_001042492.3(NF1):c.2878T>G (p.Phe960Val)

Gene: NF1 (neurofibromin 1; plus strand). Cytogenetic location: 17q11.2.
Variant type: single nucleotide variant.
Coding change: c.2878T>G on transcript NM_001042492.3 (MANE Select); coding-DNA position 2878, T replaced by G.
Protein change: p.Phe960Val; replaces phenylalanine 960 with valine.
Molecular consequence: missense variant.
Genome position (GRCh38, 1-based): chr17:31,229,862, T>G. VCF-style: chr17-31229862-T-G. GRCh37 (hg19) VCF-style: chr17-29556880-T-G.
Other names: c.2878T>G, p.Phe960Val (NM_000267.4); short protein forms F960V.
Identifiers: ClinVar variation 1797129 (VCV001797129.2), dbSNP rs2151430547, ClinGen allele CA398986049.

ClinVar aggregate classification (germline): Uncertain significance (1 of 4 stars; one submission).

Conditions:
Cardiovascular phenotype. Identifiers: MedGen CN230736.
Hereditary cancer-predisposing syndrome. Also called: Tumor predisposition; Hereditary Cancer Syndrome; Neoplastic Syndromes, Hereditary; Hereditary neoplastic syndrome. Identifiers: Orphanet 140162, MedGen C0027672, MeSH D009386, MONDO:0015356.

Submission:

Ambry Genetics
Classification: Uncertain significance for Cardiovascular phenotype; Hereditary cancer-predisposing syndrome. Last evaluated: 2017-01-11. Review status: criteria provided, single submitter. Criteria: Ambry Variant Classification Scheme 2023. Collection method: clinical testing. Allele origin: germline.
Comment: The p.F960V variant (also known as c.2878T>G), located in coding exon 22 of the NF1 gene, results from a T to G substitution at nucleotide position 2878. The phenylalanine at codon 960 is replaced by valine, an amino acid with highly similar properties. This amino acid position is highly conserved in available vertebrate species. In addition, this alteration is predicted to be deleterious by in silico analysis. Since supporting evidence is limited at this time, the clinical significance of this alteration remains unclear.